The following is an entry in ClinVar:

ClinVar aggregate classification (germline): Uncertain significance (1 of 4 stars; one submission).

Conditions:
Neuropathy, hereditary sensory, type 2C. Also called: KIF1A-Related HSAN2 (HSAN2C); Hereditary sensory and autonomic neuropathy type IIC. Identifiers: Orphanet 970, MedGen C3280168, MONDO:0013634, OMIM 614213.
Hereditary spastic paraplegia 30. Identifiers: Orphanet 101010, MedGen C5235139, MONDO:0012476.
Intellectual disability, autosomal dominant 9 (NESCAVS). Also called: KIF1A-Related Neurodevelopmental Disorder; NESCAV SYNDROME. Identifiers: Orphanet 662367, MedGen C5393830, MONDO:0013656, OMIM 614255.

Submission:

Labcorp Genetics (formerly Invitae), Labcorp
Classification: Uncertain significance for Hereditary spastic paraplegia 30; Neuropathy, hereditary sensory, type 2C; Intellectual disability, autosomal dominant 9. Last evaluated: 2025-01-23. Review status: criteria provided, single submitter. Criteria: Invitae Variant Classification Sherloc (09022015). Collection method: clinical testing. Allele origin: germline.
Comment: This sequence change replaces cysteine, which is neutral and slightly polar, with serine, which is neutral and polar, at codon 1508 of the KIF1A protein (p.Cys1508Ser). This variant is not present in population databases (gnomAD no frequency). This variant has not been reported in the literature in individuals affected with KIF1A-related conditions. Invitae Evidence Modeling of protein sequence and biophysical properties (such as structural, functional, and spatial information, amino acid conservation, physicochemical variation, residue mobility, and thermodynamic stability) indicates that this missense variant is not expected to disrupt KIF1A protein function with a negative predictive value of 95%. In summary, the available evidence is currently insufficient to determine the role of this variant in disease. Therefore, it has been classified as a Variant of Uncertain Significance.

NM_001244008.2(KIF1A):c.4826G>C (p.Cys1609Ser)

Gene: KIF1A (kinesin family member 1A; minus strand). Cytogenetic location: 2q37.3.
Variant type: single nucleotide variant.
Coding change: c.4826G>C on transcript NM_001244008.2 (MANE Select); coding-DNA position 4826, G replaced by C.
Protein change: p.Cys1609Ser; replaces cysteine 1609 with serine.
Molecular consequence: missense variant.
Genome position (GRCh38, 1-based): chr2:240,720,956, C>G on the plus strand (G>C on the coding strand, the complement: KIF1A is on the minus strand). VCF-style: chr2-240720956-C-G. GRCh37 (hg19) VCF-style: chr2-241660373-C-G.
Other names: c.4550G>C, p.Cys1517Ser (NM_001320705.2, NM_001379649.1); c.4577G>C, p.Cys1526Ser (NM_001330289.2); c.4625G>C, p.Cys1542Ser (NM_001330290.2, NM_001379648.1); c.4901G>C, p.Cys1634Ser (NM_001379631.1); c.4802G>C, p.Cys1601Ser (NM_001379632.1); c.4799G>C, p.Cys1600Ser (NM_001379633.1, NM_001379645.1); c.4652G>C, p.Cys1551Ser (NM_001379634.1); c.4649G>C, p.Cys1550Ser (NM_001379635.1, NM_001379646.1); and 7 more; short protein forms C1507S, C1508S, C1516S, C1517S, C1525S, C1526S, C1533S, C1542S.
Identifiers: ClinVar variation 3753692 (VCV003753692.2).